The following is an entry in ClinVar:

NM_004204.5(PIGQ):c.560G>A (p.Arg187Gln)

Gene: PIGQ (phosphatidylinositol glycan anchor biosynthesis class Q; plus strand). Cytogenetic location: 16p13.3.
Variant type: single nucleotide variant.
Coding change: c.560G>A on transcript NM_004204.5 (MANE Select); coding-DNA position 560, G replaced by A.
Protein change: p.Arg187Gln; replaces arginine 187 with glutamine.
Molecular consequence: missense variant.
Genome position (GRCh38, 1-based): chr16:574,634, G>A. VCF-style: chr16-574634-G-A. GRCh37 (hg19) VCF-style: chr16-624634-G-A.
Other names: c.560G>A, p.Arg187Gln (NM_148920.4); short protein forms R187Q.
Identifiers: ClinVar variation 1062292 (VCV001062292.9), dbSNP rs1375714125, ClinGen allele CA394049244.

ClinVar aggregate classification (germline): Uncertain significance (1 of 4 stars; one submission).

Conditions:
Epilepsy. Also called: Seizure disorder. Identifiers: MedGen C0014544, MeSH D004827, MONDO:0005027.

Allele frequency attached by ClinVar (database versions not stated): gnomAD exomes below 0.00001; gnomAD 0.00001; TOPMed 0.00001.
gnomAD v4.1: 11 of 1,607,568 alleles (0.00068%); highest among the groups gnomAD compares: South Asian, 0.0044%; no homozygotes.

Submission:

Labcorp Genetics (formerly Invitae), Labcorp
Classification: Uncertain significance for Epilepsy. Last evaluated: 2022-04-12. Review status: criteria provided, single submitter. Criteria: Invitae Variant Classification Sherloc (09022015). Collection method: clinical testing. Allele origin: germline.
Comment: In summary, the available evidence is currently insufficient to determine the role of this variant in disease. Therefore, it has been classified as a Variant of Uncertain Significance. Algorithms developed to predict the effect of sequence changes on RNA splicing suggest that this variant may create or strengthen a splice site. Algorithms developed to predict the effect of missense changes on protein structure and function (SIFT, PolyPhen-2, Align-GVGD) all suggest that this variant is likely to be tolerated. ClinVar contains an entry for this variant (Variation ID: 1062292). This variant has not been reported in the literature in individuals affected with PIGQ-related conditions. The frequency data for this variant in the population databases is considered unreliable, as metrics indicate poor data quality at this position in the gnomAD database. This sequence change replaces arginine, which is basic and polar, with glutamine, which is neutral and polar, at codon 187 of the PIGQ protein (p.Arg187Gln).